The following is an entry in ClinVar:

NM_000824.5(GLRB):c.749C>G (p.Thr250Arg)

Gene: GLRB (glycine receptor beta; plus strand). Cytogenetic location: 4q32.1.
Variant type: single nucleotide variant.
Coding change: c.749C>G on transcript NM_000824.5 (MANE Select); coding-DNA position 749, C replaced by G.
Protein change: p.Thr250Arg; replaces threonine 250 with arginine.
Molecular consequence: missense variant.
Genome position (GRCh38, 1-based): chr4:157,138,947, C>G. VCF-style: chr4-157138947-C-G. GRCh37 (hg19) VCF-style: chr4-158060099-C-G.
Other names: c.749C>G, p.Thr250Arg (NM_001166060.2, NM_001166061.2); short protein forms T250R.
Identifiers: ClinVar variation 1449989 (VCV001449989.4), dbSNP rs968303695, ClinGen allele CA358643841.

ClinVar aggregate classification (germline): Uncertain significance (1 of 4 stars; one submission).

Conditions:
Hyperekplexia 2 (HKPX2). Identifiers: Orphanet 3197, MedGen C3553291, MONDO:0013828, OMIM 614619.

gnomAD v4.1: 4 of 1,378,874 alleles (0.00029%); highest among the groups gnomAD compares: African/African-American, 0.0057%; no homozygotes.

Submission:

Labcorp Genetics (formerly Invitae), Labcorp
Classification: Uncertain significance for Hyperekplexia 2. Last evaluated: 2025-04-14. Review status: criteria provided, single submitter. Criteria: Invitae Variant Classification Sherloc (09022015). Collection method: clinical testing. Allele origin: germline.
Comment: This sequence change replaces threonine, which is neutral and polar, with arginine, which is basic and polar, at codon 250 of the GLRB protein (p.Thr250Arg). This variant is present in population databases (no rsID available, gnomAD 0.007%). This variant has not been reported in the literature in individuals affected with GLRB-related conditions. ClinVar contains an entry for this variant (Variation ID: 1449989). An algorithm developed to predict the effect of missense changes on protein structure and function (PolyPhen-2) suggests that this variant is likely to be disruptive. In summary, the available evidence is currently insufficient to determine the role of this variant in disease. Therefore, it has been classified as a Variant of Uncertain Significance.